The following is an entry in ClinVar:

NM_001046.3(SLC12A2):c.1660G>T (p.Asp554Tyr)

Gene: SLC12A2 (solute carrier family 12 member 2; plus strand). Cytogenetic location: 5q23.3.
Variant type: single nucleotide variant.
Coding change: c.1660G>T on transcript NM_001046.3 (MANE Select); coding-DNA position 1660, G replaced by T.
Protein change: p.Asp554Tyr; replaces aspartic acid 554 with tyrosine.
Molecular consequence: missense variant. On other transcripts: non-coding transcript variant (1).
Genome position (GRCh38, 1-based): chr5:128,141,868, G>T. VCF-style: chr5-128141868-G-T. GRCh37 (hg19) VCF-style: chr5-127477560-G-T.
Other names: c.1660G>T, p.Asp554Tyr (NM_001256461.2); short protein forms D554Y.
Identifiers: ClinVar variation 3696264 (VCV003696264.2).

ClinVar aggregate classification (germline): Uncertain significance (1 of 4 stars; one submission).

gnomAD v4.1: 7 of 1,613,540 alleles (0.00043%); highest among the groups gnomAD compares: Admixed American, 0.012%; no homozygotes.

Submission:

Labcorp Genetics (formerly Invitae), Labcorp
Classification: Uncertain significance. Last evaluated: 2024-03-02. Review status: criteria provided, single submitter. Criteria: Invitae Variant Classification Sherloc (09022015). Collection method: clinical testing. Allele origin: germline.
Comment: This sequence change replaces aspartic acid, which is acidic and polar, with tyrosine, which is neutral and polar, at codon 554 of the SLC12A2 protein (p.Asp554Tyr). This variant is present in population databases (rs775913466, gnomAD 0.01%). This variant has not been reported in the literature in individuals affected with SLC12A2-related conditions. An algorithm developed to predict the effect of missense changes on protein structure and function (PolyPhen-2) suggests that this variant is likely to be disruptive. In summary, the available evidence is currently insufficient to determine the role of this variant in disease. Therefore, it has been classified as a Variant of Uncertain Significance.